The following is an entry in ClinVar:

ClinVar aggregate classification (germline): Uncertain significance. Review status: criteria provided, multiple submitters, no conflicts (2 of 4 stars). 9 submissions from 9 submitters: Uncertain significance (9). Last evaluated 2025-12-16.

Conditions:
Connective tissue disorder. Also called: Connective tissue disease. Identifiers: MedGen C0009782, MONDO:0003900.
Familial thoracic aortic aneurysm and aortic dissection (TAAD). Also called: Thoracic aortic aneurysms and dissections. Identifiers: Orphanet 91387, MedGen C4707243, MONDO:0019625.
Aneurysm-osteoarthritis syndrome. Also called: ANEURYSMS-OSTEOARTHRITIS SYNDROME; Loeys-Dietz syndrome, type 1C; SMAD3-Related Loeys-Dietz Syndrome; LOEYS-DIETZ SYNDROME WITH OSTEOARTHRITIS. Identifiers: Orphanet 284984, MedGen C3151087, MONDO:0013426, OMIM 613795.

Allele frequency attached by ClinVar (database versions not stated): gnomAD exomes 0.00002 and 0.00003; TOPMed 0.00004; ExAC 0.00005; gnomAD 0.00005; ESP Exome Variant Server 0.00008.
gnomAD v4.1: 37 of 1,614,084 alleles (0.0023%); highest among the groups gnomAD compares: African/African-American, 0.0053%; no homozygotes.

Submissions (9):

Labcorp Genetics (formerly Invitae), Labcorp
Classification: Uncertain significance for Familial thoracic aortic aneurysm and aortic dissection. Last evaluated: 2025-12-16. Review status: criteria provided, single submitter. Criteria: Invitae Variant Classification Sherloc (09022015). Collection method: clinical testing. Allele origin: germline.
Comment: This sequence change replaces proline, which is neutral and non-polar, with leucine, which is neutral and non-polar, at codon 147 of the SMAD3 protein (p.Pro147Leu). This variant is present in population databases (rs377026877, gnomAD 0.005%). This variant has not been reported in the literature in individuals affected with SMAD3-related conditions. ClinVar contains an entry for this variant (Variation ID: 196428). Invitae Evidence Modeling incorporating data from in vitro experimental studies (internal data) indicates that this missense variant is not expected to disrupt SMAD3 function with a negative predictive value of 95%. In summary, the available evidence is currently insufficient to determine the role of this variant in disease. Therefore, it has been classified as a Variant of Uncertain Significance.

Women's Health and Genetics/Laboratory Corporation of America, LabCorp
Classification: Uncertain significance. Last evaluated: 2025-07-07. Review status: criteria provided, single submitter. Criteria: LabCorp Variant Classification Summary - May 2015. Collection method: clinical testing. Allele origin: germline.
Comment: Variant summary: SMAD3 c.440C>T (p.Pro147Leu) results in a non-conservative amino acid change in the encoded protein sequence. Algorithms developed to predict the effect of missense changes on protein structure and function all suggest that this variant is likely to be disruptive. The variant allele was found at a frequency of 3.2e-05 in 251408 control chromosomes. The available data on variant occurrences in the general population are insufficient to allow any conclusion about variant significance. To our knowledge, no occurrence of c.440C>T in individuals affected with Thoracic Aortic Aneurysms And Dissections and no experimental evidence demonstrating its impact on protein function have been reported. ClinVar contains an entry for this variant (Variation ID: 196428). Based on the evidence outlined above, the variant was classified as uncertain significance.

All of Us Research Program, National Institutes of Health
Classification: Uncertain significance for Aneurysm-osteoarthritis syndrome. Last evaluated: 2024-09-23. Review status: criteria provided, single submitter. Criteria: ACMG Guidelines, 2015. Collection method: clinical testing. Allele origin: germline. Inheritance: Autosomal dominant inheritance. Observed: 10 variant alleles, 10 heterozygotes.
Comment: This missense variant replaces proline with leucine at codon 147 of the SMAD3 protein. Computational prediction suggests that this variant may not impact protein structure and function (internally defined REVEL score threshold <= 0.5, PMID: 27666373). To our knowledge, functional studies have not been reported for this variant. This variant has not been reported in individuals affected with cardiovascular disorders in the literature. This variant has been identified in 9/282800 chromosomes in the general population by the Genome Aggregation Database (gnomAD). The available evidence is insufficient to determine the role of this variant in disease conclusively. Therefore, this variant is classified as a Variant of Uncertain Significance.

This study involves interpretation of variants in research participants for the purpose of population health screening. Participant phenotype was not available at the time of variant classification. Additional details can be found in publication PMID: 35346344, PMCID: PMC8962531

CeGaT Center for Human Genetics Tuebingen
Classification: Uncertain significance. Last evaluated: 2024-09-01. Review status: criteria provided, single submitter. Criteria: CeGaT Center For Human Genetics Tuebingen Variant Classification Criteria Version 2. Collection method: clinical testing. Allele origin: germline. Affected: yes. Observed: 1 variant allele.
Comment: SMAD3: PP2, PP3

Color Diagnostics, LLC DBA Color Health
Classification: Uncertain significance for Familial thoracic aortic aneurysm and aortic dissection. Last evaluated: 2024-07-26. Review status: criteria provided, single submitter. Criteria: ACMG Guidelines, 2015. Collection method: clinical testing. Allele origin: germline.
Comment: This missense variant replaces proline with leucine at codon 147 of the SMAD3 protein. Computational prediction tools indicate that this variant has a neutral impact on protein structure and function. To our knowledge, functional studies have not been reported for this variant. This variant has not been reported in individuals affected with SMAD3-related disorders in the literature. This variant has been identified in 9/282800 chromosomes in the general population by the Genome Aggregation Database (gnomAD). The available evidence is insufficient to determine the role of this variant in disease conclusively. Therefore, this variant is classified as a Variant of Uncertain Significance.

Ambry Genetics
Classification: Uncertain significance for Familial thoracic aortic aneurysm and aortic dissection. Last evaluated: 2024-04-26. Review status: criteria provided, single submitter. Criteria: Ambry Variant Classification Scheme 2023. Collection method: clinical testing. Allele origin: germline.
Comment: The p.P147L variant (also known as c.440C>T), located in coding exon 3 of the SMAD3 gene, results from a C to T substitution at nucleotide position 440. The proline at codon 147 is replaced by leucine, an amino acid with similar properties. This amino acid position is highly conserved in available vertebrate species. In addition, this alteration is predicted to be deleterious by in silico analysis. Since supporting evidence is limited at this time, the clinical significance of this alteration remains unclear.

CHEO Genetics Diagnostic Laboratory, Children's Hospital of Eastern Ontario
Classification: Uncertain significance for Familial thoracic aortic aneurysm and aortic dissection. Last evaluated: 2021-10-26. Review status: criteria provided, single submitter. Criteria: ACMG Guidelines, 2015. Collection method: clinical testing. Allele origin: germline.

Center for Human Genetics, Inc
Classification: Uncertain significance for Connective tissue disorder. Last evaluated: 2016-11-01. Review status: criteria provided, single submitter. Criteria: ACMG Guidelines, 2015. Collection method: clinical testing. Allele origin: germline. Affected: yes.

Eurofins Ntd Llc (ga)
Classification: Uncertain significance. Last evaluated: 2015-05-14. Review status: criteria provided, single submitter. Criteria: EGL Classification Definitions 2015. Collection method: clinical testing. Allele origin: germline. Observed: 2 variant alleles, 2 heterozygotes.

NM_005902.4(SMAD3):c.440C>T (p.Pro147Leu)

Gene: SMAD3 (SMAD family member 3; plus strand). Cytogenetic location: 15q22.33.
Variant type: single nucleotide variant.
Coding change: c.440C>T on transcript NM_005902.4 (MANE Select); coding-DNA position 440, C replaced by T.
Protein change: p.Pro147Leu; replaces proline 147 with leucine.
Molecular consequence: missense variant.
Genome position (GRCh38, 1-based): chr15:67,165,292, C>T. VCF-style: chr15-67165292-C-T. GRCh37 (hg19) VCF-style: chr15-67457630-C-T.
Other names: c.125C>T, p.Pro42Leu (NM_001145102.2); c.308C>T, p.Pro103Leu (NM_001145103.2); short protein forms P147L, P103L, P42L.
Identifiers: ClinVar variation 196428 (VCV000196428.79), dbSNP rs377026877, ClinGen allele CA020087.
Genomic context (GRCh38, chr15:67,165,292, plus strand): 5'-TGCTCTGTCTCCCCCGGACAGTTCTACCTCCTGTGTTGGTGCCACGCCACACAGAGATCC[C>T]GGCCGAGTTCCCCCCACTGGACGACTACAGCCATTCCATCCCCGAAAACACTAACTTCCC-3'
Protein context (NP_005893.1, residues 137-157): PVLVPRHTEI[Pro147Leu]AEFPPLDDYS